The following is an entry in ClinVar:

ClinVar aggregate classification (germline): Uncertain significance (1 of 4 stars; one submission).

Conditions:
Early Myoclonic Encephalopathy. Identifiers: MedGen C0270855.

Submission:

Labcorp Genetics (formerly Invitae), Labcorp
Classification: Uncertain significance for Early Myoclonic Encephalopathy. Last evaluated: 2023-02-08. Review status: criteria provided, single submitter. Criteria: Invitae Variant Classification Sherloc (09022015). Collection method: clinical testing. Allele origin: germline.
Comment: This sequence change replaces tyrosine, which is neutral and polar, with cysteine, which is neutral and slightly polar, at codon 75 of the JMJD1C protein (p.Tyr75Cys). In summary, the available evidence is currently insufficient to determine the role of this variant in disease. Therefore, it has been classified as a Variant of Uncertain Significance. This variant is not present in population databases (gnomAD no frequency). This variant has not been reported in the literature in individuals affected with JMJD1C-related conditions. Algorithms developed to predict the effect of missense changes on protein structure and function are either unavailable or do not agree on the potential impact of this missense change (SIFT: "Deleterious"; PolyPhen-2: "Probably Damaging"; Align-GVGD: "Class C0").

NM_032776.3(JMJD1C):c.224A>G (p.Tyr75Cys)

Gene: JMJD1C (jumonji domain containing 1C; minus strand). Cytogenetic location: 10q21.3.
Variant type: single nucleotide variant.
Coding change: c.224A>G on transcript NM_032776.3 (MANE Select); coding-DNA position 224, A replaced by G.
Protein change: p.Tyr75Cys; replaces tyrosine 75 with cysteine.
Molecular consequence: missense variant. On other transcripts: 5 prime UTR variant (2).
Genome position (GRCh38, 1-based): chr10:63,380,427, T>C on the plus strand (A>G on the coding strand, the complement: JMJD1C is on the minus strand). VCF-style: chr10-63380427-T-C. GRCh37 (hg19) VCF-style: chr10-65140187-T-C.
Other names: c.-323A>G (NM_001318154.2); c.224A>G, p.Tyr75Cys (NM_001322252.2); c.-328A>G (NM_001322258.2); short protein forms Y75C.
Identifiers: ClinVar variation 2819476 (VCV002819476.3), dbSNP rs1424825937, ClinGen allele CA377086815.